The following is an entry in ClinVar:

NM_181523.3(PIK3R1):c.1353_1357delinsCC (p.Glu451_Asn453delinsAspHis)

Gene: PIK3R1 (phosphoinositide-3-kinase regulatory subunit 1; plus strand). Cytogenetic location: 5q13.1.
Variant type: Indel.
Coding change: c.1353_1357delinsCC on transcript NM_181523.3 (MANE Select); coding-DNA positions 1353 to 1357, ATATA replaced by CC.
Protein change: p.Glu451_Asn453delinsAspHis.
Molecular consequence: inframe indel.
Genome position (GRCh38, 1-based): chr5:68,293,762-68,293,766, ATATA replaced by CC. VCF-style: chr5-68293762-ATATA-CC. GRCh37 (hg19) VCF-style: chr5-67589590-ATATA-CC.
Other names: c.264_268delinsCC, p.Glu88_Asn90delinsAspHis (NM_001242466.2); c.543_547delinsCC, p.Glu181_Asn183delinsAspHis (NM_181504.4); c.453_457delinsCC, p.Glu151_Asn153delinsAspHis (NM_181524.2).
Identifiers: ClinVar variation 4530391 (VCV004530391.1).

ClinVar aggregate classification (somatic clinical impact): Tier II - Potential (1 of 4 stars; one submission).

Conditions:
Pilocytic astrocytoma. Also called: Pilocytic astrocytoma, somatic. Identifiers: Orphanet 251612, MedGen C0334583, MONDO:0016691, HP:0033680.

Submission:

Institute for Genomic Medicine (IGM) Clinical Laboratory, Nationwide Children's Hospital
Classification: Tier II - Potential for Pilocytic astrocytoma. Assertion type: diagnostic. Clinical significance: supports diagnosis. Last evaluated: 2025-05-13. Review status: criteria provided, single submitter. Criteria: AMP/ASCO/CAP Guidelines, 2017. Collection method: clinical testing. Allele origin: somatic. Affected: yes.
Comment: Variant has Tier II (potential) clinical significance as a diagnostic inclusion criterion in pilocytic astrocytoma, based on the following evidence: 1) Documented in one or more cancer databases (e.g., St. Jude Pecan, COSMIC, CIViC, OncoKB). 2) Assists in diagnosis alone or along with other biomarkers based on small studies or few case reports (Evidence Level D; PMIDs: 21113787, 23166678, 38112165).

Literature cited by the submitters: PubMed 21113787; PubMed 23166678; PubMed 38112165.